The following is an entry in ClinVar:

ClinVar aggregate classification (germline): Conflicting classifications of pathogenicity. Review status: criteria provided, conflicting classifications (1 of 4 stars). 5 submissions from 5 submitters: Uncertain significance (4); Likely benign (1). Last evaluated 2025-06-02.

Conditions:
Episodic kinesigenic dyskinesia (EKD). Also called: Paroxysmal kinesigenic dyskinesia. Identifiers: Orphanet 98809, MedGen C1868682, MONDO:0044202.
Inborn genetic diseases. Identifiers: MedGen C0950123, MeSH D030342.

Allele frequency attached by ClinVar (database versions not stated): gnomAD exomes 0.00001; gnomAD 0.00003.

Submissions (5):

Labcorp Genetics (formerly Invitae), Labcorp
Classification: Uncertain significance for Episodic kinesigenic dyskinesia. Last evaluated: 2025-06-02. Review status: criteria provided, single submitter. Criteria: Invitae Variant Classification Sherloc (09022015). Collection method: clinical testing. Allele origin: germline.
Comment: This sequence change replaces alanine, which is neutral and non-polar, with glycine, which is neutral and non-polar, at codon 252 of the PRRT2 protein (p.Ala252Gly). This variant is present in population databases (no rsID available, gnomAD 0.002%). This variant has not been reported in the literature in individuals affected with PRRT2-related conditions. ClinVar contains an entry for this variant (Variation ID: 506531). Invitae Evidence Modeling of protein sequence and biophysical properties (such as structural, functional, and spatial information, amino acid conservation, physicochemical variation, residue mobility, and thermodynamic stability) indicates that this missense variant is not expected to disrupt PRRT2 protein function with a negative predictive value of 95%. In summary, the available evidence is currently insufficient to determine the role of this variant in disease. Therefore, it has been classified as a Variant of Uncertain Significance.

Ambry Genetics
Classification: Uncertain significance for Inborn genetic diseases. Last evaluated: 2022-11-09. Review status: criteria provided, single submitter. Criteria: Ambry Variant Classification Scheme 2023. Collection method: clinical testing. Allele origin: germline.

Blueprint Genetics
Classification: Uncertain significance. Last evaluated: 2022-01-11. Review status: criteria provided, single submitter. Criteria: ACMG Guidelines, 2015. Collection method: clinical testing. Allele origin: germline.

GeneDx
Classification: Likely benign. Last evaluated: 2020-12-21. Review status: criteria provided, single submitter. Criteria: GeneDx Variant Classification Process June 2021. Collection method: clinical testing. Allele origin: germline. Affected: yes.

Athena Diagnostics
Classification: Uncertain significance. Last evaluated: 2019-03-21. Review status: criteria provided, single submitter. Criteria: Athena Diagnostics Criteria. Collection method: clinical testing. Allele origin: germline.

NM_145239.3(PRRT2):c.755C>G (p.Ala252Gly)

Genes: MVP-DT (MVP divergent transcript; minus strand), PRRT2 (proline rich transmembrane protein 2; plus strand). Cytogenetic location: 16p11.2.
Variant type: single nucleotide variant.
Coding change: c.755C>G on transcript NM_145239.3 (MANE Select); coding-DNA position 755, C replaced by G.
Protein change: p.Ala252Gly; replaces alanine 252 with glycine.
Molecular consequence: missense variant.
Genome position (GRCh38, 1-based): chr16:29,813,809, C>G. VCF-style: chr16-29813809-C-G. GRCh37 (hg19) VCF-style: chr16-29825130-C-G.
Other names: c.755C>G, p.Ala252Gly (NM_001256442.2, NM_001256443.2); short protein forms A252G.
Identifiers: ClinVar variation 506531 (VCV000506531.14), dbSNP rs1053144630, ClinGen allele CA395479541.